The following is an entry in ClinVar:

ClinVar aggregate classification (germline): Benign. Review status: criteria provided, multiple submitters, no conflicts (2 of 4 stars). 3 submissions from 3 submitters: Benign (3). Last evaluated 2026-08-01.

Allele frequency attached by ClinVar (database versions not stated): 1000 Genomes Project 30x 0.00328; 1000 Genomes Project 0.00339; ExAC 0.00749; gnomAD exomes 0.00764; gnomAD 0.00824 and 0.00840; TOPMed 0.00845; ESP Exome Variant Server 0.00961.

Submissions (3):

CeGaT Center for Human Genetics Tuebingen
Classification: Benign. Last evaluated: 2026-08-01. Review status: criteria provided, single submitter. Criteria: CeGaT Center For Human Genetics Tuebingen Variant Classification Criteria Version 2. Collection method: clinical testing. Allele origin: germline. Affected: yes. Observed: 5 variant alleles.
Comment: P2RY11: BP4, BS1, BS2; PPAN-P2RY11: BP4, BS1, BS2

Labcorp Genetics (formerly Invitae), Labcorp
Classification: Benign. Last evaluated: 2019-12-31. Review status: criteria provided, single submitter. Criteria: Invitae Variant Classification Sherloc (09022015). Collection method: clinical testing. Allele origin: germline.

Breakthrough Genomics
Classification: Benign. Review status: criteria provided, single submitter. Criteria: ACMG Guidelines, 2015. Collection method: not provided. Allele origin: germline. Inheritance: Unknown mechanism. Affected: yes.

NM_002566.5(P2RY11):c.1046G>A (p.Ser349Asn)

Genes: PPAN-P2RY11 (PPAN-P2RY11 readthrough; plus strand), P2RY11 (purinergic receptor P2Y11; plus strand). Cytogenetic location: 19p13.2.
Variant type: single nucleotide variant.
Coding change: c.1046G>A on transcript NM_002566.5 (MANE Select); coding-DNA position 1046, G replaced by A.
Protein change: p.Ser349Asn; replaces serine 349 with asparagine.
Molecular consequence: missense variant. On other transcripts: 3 prime UTR variant (1).
Genome position (GRCh38, 1-based): chr19:10,114,659, G>A. VCF-style: chr19-10114659-G-A. GRCh37 (hg19) VCF-style: chr19-10225335-G-A.
Other names: c.2306G>A, p.Ser769Asn (NM_001040664.3); c.*805G>A (NM_001198690.2); short protein forms S349N, S769N.
Identifiers: ClinVar variation 774731 (VCV000774731.18), dbSNP rs147646315, ClinGen allele CA9186667.